The following is an entry in ClinVar:

ClinVar aggregate classification (germline): Pathogenic. Review status: reviewed by expert panel (3 of 4 stars). 10 submissions from 10 submitters: Pathogenic (1). 9 of the submissions do not count toward it. Last evaluated 2016-09-08.

Conditions:
Hereditary cancer-predisposing syndrome. Also called: Hereditary Cancer Syndrome; Neoplastic Syndromes, Hereditary; Hereditary neoplastic syndrome; Tumor predisposition. Identifiers: Orphanet 140162, MedGen C0027672, MeSH D009386, MONDO:0015356.
Breast-ovarian cancer, familial, susceptibility to, 2 (BROVCA2). Also called: BRCA2 Hereditary Breast and Ovarian Cancer. Identifiers: Orphanet 145, MedGen C2675520, MONDO:0012933, OMIM 612555. Disease mechanism: loss of function.
Fanconi anemia complementation group D1. Also called: BRCA2-Related Fanconi Anemia. Identifiers: Orphanet 319462, MedGen C1838457, MONDO:0011584, OMIM 605724.
Medulloblastoma (MDB). Also called: MEDULLOBLASTOMA PREDISPOSITION SYNDROME; Medulloblastoma, somatic. Identifiers: Orphanet 616, MedGen C0025149, MeSH D008527, MONDO:0007959, OMIM 155255, HP:0002885.
Pancreatic cancer, susceptibility to, 2. Identifiers: Orphanet 1333, MedGen C3150546, MONDO:0013235, OMIM 613347.
Glioma susceptibility 3 (GLM3). Also called: Glioblastoma 3. Identifiers: Orphanet 182067, Orphanet 360, MedGen C2751641, MONDO:0013093, OMIM 613029.
Wilms tumor 1 (WT1). Also called: Wilms tumor, somatic. Identifiers: Orphanet 654, MedGen CN033288, MONDO:0008679, OMIM 194070.
Familial cancer of breast. Also called: hereditary breast carcinoma; BREAST CANCER, FAMILIAL; Hereditary breast cancer. Identifiers: Orphanet 227535, MedGen C0346153, MONDO:0016419, OMIM 114480. Disease mechanism: loss of function.
Prostate cancer. Also called: Malignant tumor of prostate. Identifiers: Orphanet 1331, MedGen C0376358, MONDO:0008315, HP:0012125.
Hereditary breast ovarian cancer syndrome. Also called: Hereditary breast and ovarian cancer syndrome; Breast and ovarian cancer; Hereditary breast and ovarian cancer syndrome (HBOC); BRCA1- and BRCA2-Associated Hereditary Breast and Ovarian Cancer; Hereditary breast and/or ovarian cancer syndrome; Hereditary breast and ovarian cancer. Identifiers: Orphanet 145, MedGen C0677776, MeSH D061325, MONDO:0003582. Disease mechanism: loss of function.

Submissions (10):

Evidence-based Network for the Interpretation of Germline Mutant Alleles (ENIGMA)
Classification: Pathogenic for Breast-ovarian cancer, familial, susceptibility to, 2. Last evaluated: 2016-09-08. Review status: reviewed by expert panel. Criteria: ENIGMA BRCA1/2 Classification Criteria (2015). Collection method: curation. Allele origin: germline.
Comment: Variant allele predicted to encode a truncated non-functional protein.

Labcorp Genetics (formerly Invitae), Labcorp
Classification: Pathogenic for Hereditary breast ovarian cancer syndrome. Last evaluated: 2025-10-23. Review status: criteria provided, single submitter. Criteria: Invitae Variant Classification Sherloc (09022015). Collection method: clinical testing. Allele origin: germline. Not counted in ClinVar's aggregate classification.
Comment: This sequence change creates a premature translational stop signal (p.Lys3084Asnfs*26) in the BRCA2 gene. It is expected to result in an absent or disrupted protein product. Loss-of-function variants in BRCA2 are known to be pathogenic (PMID: 20104584). Information on the frequency of this variant in the gnomAD database is not available, as this variant may be reported differently in the database. This variant has not been reported in the literature in individuals affected with BRCA2-related conditions. This variant is also known as 9480del4insTT. For these reasons, this variant has been classified as Pathogenic.

Quest Diagnostics Nichols Institute San Juan Capistrano
Classification: Pathogenic. Last evaluated: 2025-02-05. Review status: criteria provided, single submitter. Criteria: Quest Diagnostics criteria. Collection method: clinical testing. Allele origin: unknown. Not counted in ClinVar's aggregate classification.
Comment: The BRCA2 c.9252_9255delinsTT (p.Lys3084Asnfs*26) variant alters the translational reading frame of the BRCA2 mRNA and causes the premature termination of BRCA2 protein synthesis. This variant has been reported in the published literature in an individual with ovarian cancer (PMID: 29084914 (2018)). This variant has not been reported in large, multi-ethnic general populations (Genome Aggregation Database). Based on the available information, this variant is classified as pathogenic.

Ambry Genetics
Classification: Pathogenic for Hereditary cancer-predisposing syndrome. Last evaluated: 2022-11-30. Review status: criteria provided, single submitter. Criteria: Ambry Variant Classification Scheme 2023. Collection method: clinical testing. Allele origin: germline. Not counted in ClinVar's aggregate classification.
Comment: The c.9252_9255delAACAinsTT pathogenic mutation, located in coding exon 23 of the BRCA2 gene, results from the deletion of 4 nucleotides and insertion of two nucleotides causing a translational frameshift with a predicted alternate stop codon (p.K3084Nfs*26). In addition to the clinical data presented in the literature, this alteration is expected to result in loss of function by premature protein truncation or nonsense-mediated mRNA decay. As such, this alteration is interpreted as a disease-causing mutation.

Fulgent Genetics
Classification: Pathogenic for Familial cancer of breast; Medulloblastoma; Familial prostate cancer; Wilms tumor 1; Fanconi anemia complementation group D1; Breast-ovarian cancer, familial, susceptibility to, 2; Glioma susceptibility 3; Pancreatic cancer, susceptibility to, 2. Last evaluated: 2022-02-04. Review status: criteria provided, single submitter. Criteria: ACMG Guidelines, 2015. Collection method: clinical testing. Allele origin: unknown. Not counted in ClinVar's aggregate classification.

Color Diagnostics, LLC DBA Color Health
Classification: Pathogenic for Hereditary cancer-predisposing syndrome. Last evaluated: 2020-01-15. Review status: criteria provided, single submitter. Criteria: ACMG Guidelines, 2015. Collection method: clinical testing. Allele origin: germline. Not counted in ClinVar's aggregate classification.
Comment: This variant is located in the BRCA2 protein. Splice site prediction tools suggest that this variant may not impact RNA splicing. This variant has not been identified in the general population by the Genome Aggregation Database (gnomAD). Loss of BRCA2 function is a known mechanism of disease. Based on the available evidence, this variant is classified as Pathogenic.

Consortium of Investigators of Modifiers of BRCA1/2 (CIMBA), c/o University of Cambridge
Classification: Pathogenic for Breast-ovarian cancer, familial, susceptibility to, 2. Last evaluated: 2015-10-02. Review status: criteria provided, single submitter. Criteria: CIMBA Mutation Classification guidelines May 2016. Collection method: clinical testing. Allele origin: germline. Not counted in ClinVar's aggregate classification.

Curoverse
Classification: Pathogenic for BRCA1 and BRCA2 Hereditary Breast and Ovarian Cancer. Last evaluated: 2015-08-01. Review status: no assertion criteria provided. Collection method: research. Allele origin: germline. Affected: no. Observed: 1 variant allele. Not counted in ClinVar's aggregate classification.
Comment: Frameshifts in BRCA2 are considered pathogenic, and this is a BRCA2 Lys3084Asn frameshift variant in exon 24

Sharing Clinical Reports Project (SCRP)
Classification: Pathogenic for Breast-ovarian cancer, familial 2. Last evaluated: 2011-07-15. Review status: no assertion criteria provided. Collection method: clinical testing. Allele origin: germline. Not counted in ClinVar's aggregate classification.

Breast Cancer Information Core (BIC) (BRCA2)
Classification: Pathogenic for Breast-ovarian cancer, familial 2. Last evaluated: 2002-05-29. Review status: no assertion criteria provided. Collection method: clinical testing. Allele origin: germline. Affected: yes. Observed: 2 variant alleles. Not counted in ClinVar's aggregate classification.

Literature cited by the submitters: PubMed 20104584 (cited by Labcorp Genetics (formerly Invitae), Labcorp); PubMed 29446198 (cited by Quest Diagnostics Nichols Institute San Juan Capistrano); PubMed 29084914 (cited by Quest Diagnostics Nichols Institute San Juan Capistrano and Ambry Genetics); PMC 3583621 (cited by Curoverse); DOI 10.1001/jama.2011.678 (cited by Curoverse).

NM_000059.4(BRCA2):c.9252_9255delinsTT (p.Lys3084fs)

Gene: BRCA2 (BRCA2 DNA repair associated; plus strand). Cytogenetic location: 13q13.1.
Variant type: Indel.
Coding change: c.9252_9255delinsTT on transcript NM_000059.4 (MANE Select); coding-DNA positions 9252 to 9255, AACA replaced by TT.
Protein change: p.Lys3084fs; shifts the reading frame from lysine 3084.
Molecular consequence: frameshift variant.
Genome position (GRCh38, 1-based): chr13:32,380,141-32,380,144, AACA replaced by TT. VCF-style: chr13-32380141-AACA-TT. GRCh37 (hg19) VCF-style: chr13-32954278-AACA-TT.
Other names: 9480del4insTT; 9480delAACAinsTT; c.9252_9255delAACAinsTT (NM_000059.3); short protein forms K3084fs.
Identifiers: ClinVar variation 91519 (VCV000091519.22), dbSNP rs276174918, ClinGen allele CA026051.